The following is an entry in ClinVar:

ClinVar aggregate classification (germline): Uncertain significance. Review status: criteria provided, multiple submitters, no conflicts (2 of 4 stars). 3 submissions from 3 submitters: Uncertain significance (3). Last evaluated 2026-05-28.

Submissions (3):

Women's Health and Genetics/Laboratory Corporation of America, LabCorp
Classification: Uncertain significance. Last evaluated: 2026-05-28. Review status: criteria provided, single submitter. Criteria: LabCorp Variant Classification Summary - May 2015. Collection method: clinical testing. Allele origin: germline.
Comment: Variant summary: ANO5 c.766C>G (p.Gln256Glu) results in a conservative amino acid change in the encoded protein sequence. Algorithms developed to predict the effect of missense changes on protein structure and function are either unavailable or do not agree on the potential impact of this missense change. The variant was absent in 251214 control chromosomes. The available data on variant occurrences in the general population are insufficient to allow any conclusion about variant significance. To our knowledge, no occurrence of c.766C>G in individuals affected with ANO5-related conditions and no experimental evidence demonstrating its impact on protein function have been reported. ClinVar contains an entry for this variant (Variation ID: 199202). Based on the evidence outlined above, the variant was classified as uncertain significance.

Blueprint Genetics
Classification: Uncertain significance. Last evaluated: 2024-03-06. Review status: criteria provided, single submitter. Criteria: ACMG Guidelines, 2015. Collection method: clinical testing. Allele origin: germline.

Eurofins Ntd Llc (ga)
Classification: Uncertain significance. Last evaluated: 2015-01-06. Review status: criteria provided, single submitter. Criteria: EGL Classification Definitions 2015. Collection method: clinical testing. Allele origin: germline. Observed: 2 variant alleles, 2 heterozygotes.

NM_213599.3(ANO5):c.766C>G (p.Gln256Glu)

Gene: ANO5 (anoctamin 5; plus strand). Cytogenetic location: 11p14.3.
Variant type: single nucleotide variant.
Coding change: c.766C>G on transcript NM_213599.3 (MANE Select); coding-DNA position 766, C replaced by G.
Protein change: p.Gln256Glu; replaces glutamine 256 with glutamic acid.
Molecular consequence: missense variant.
Genome position (GRCh38, 1-based): chr11:22,239,572, C>G. VCF-style: chr11-22239572-C-G. GRCh37 (hg19) VCF-style: chr11-22261118-C-G.
Other names: c.763C>G, p.Gln255Glu (NM_001142649.2); short protein forms Q256E, Q255E.
Identifiers: ClinVar variation 199202 (VCV000199202.7), dbSNP rs794727981, ClinGen allele CA248285.